The following is an entry in ClinVar:

NM_003859.3(DPM1):c.678+15C>G

Genes: DPM1 (dolichyl-phosphate mannosyltransferase subunit 1, catalytic; minus strand), ADNP-AS1 (ADNP antisense RNA 1; plus strand). Cytogenetic location: 20q13.13.
Variant type: single nucleotide variant.
Coding change: c.678+15C>G on transcript NM_003859.3 (MANE Select); 15 bases into the intron after coding-DNA position 678, C replaced by G.
Molecular consequence: intron variant.
Genome position (GRCh38, 1-based): chr20:50,936,133, G>C on the plus strand (C>G on the coding strand, the complement: DPM1 is on the minus strand). VCF-style: chr20-50936133-G-C. GRCh37 (hg19) VCF-style: chr20-49552670-G-C.
Other names: c.609+15C>G (NM_001317036.1); c.759+15C>G (NM_001317035.1); c.783+15C>G (NM_001317034.1).
Identifiers: ClinVar variation 1349594 (VCV001349594.6), dbSNP rs2123061176, ClinGen allele CA2573157148.

ClinVar aggregate classification (germline): Uncertain significance (1 of 4 stars; one submission).

Conditions:
Congenital disorder of glycosylation type 1E (CDG1E). Also called: CONGENITAL DISORDER OF GLYCOSYLATION, TYPE Ie; CDG Ie. Identifiers: Orphanet 79322, MedGen C1837396, MONDO:0012123, OMIM 608799.

Allele frequency attached by ClinVar (database versions not stated): gnomAD exomes below 0.00001.
gnomAD v4.1: 1 of 1,544,268 alleles (0.000065%); highest among the groups gnomAD compares: Non-Finnish European, 0.00009%; no homozygotes.

Submission:

Labcorp Genetics (formerly Invitae), Labcorp
Classification: Uncertain significance for Congenital disorder of glycosylation type 1E. Last evaluated: 2021-11-05. Review status: criteria provided, single submitter. Criteria: Invitae Variant Classification Sherloc (09022015). Collection method: clinical testing. Allele origin: germline.
Comment: In summary, the available evidence is currently insufficient to determine the role of this variant in disease. Therefore, it has been classified as a Variant of Uncertain Significance. Algorithms developed to predict the effect of sequence changes on RNA splicing suggest that this variant may create or strengthen a splice site. This variant has not been reported in the literature in individuals affected with DPM1-related conditions. This variant is not present in population databases (gnomAD no frequency). This sequence change falls in intron 8 of the DPM1 gene. It does not directly change the encoded amino acid sequence of the DPM1 protein.